The following is an entry in ClinVar:

ClinVar aggregate classification (germline): Likely benign. Review status: criteria provided, multiple submitters, no conflicts (2 of 4 stars). 4 submissions from 4 submitters: Likely benign (4). Last evaluated 2025-03-04.

Conditions:
Hereditary cancer-predisposing syndrome. Also called: Hereditary Cancer Syndrome; Hereditary neoplastic syndrome; Neoplastic Syndromes, Hereditary; Tumor predisposition. Identifiers: Orphanet 140162, MedGen C0027672, MeSH D009386, MONDO:0015356.
Lynch syndrome. Identifiers: Orphanet 144, MedGen C4552100, MONDO:0005835. Disease mechanism: loss of function.
Hereditary nonpolyposis colorectal neoplasms. Identifiers: MedGen C0009405, MeSH D003123.

Submissions (4):

Center for Genomic Medicine, Rigshospitalet, Copenhagen University Hospital
Classification: Likely benign. Last evaluated: 2025-03-04. Review status: criteria provided, single submitter. Criteria: ACMG Guidelines, 2015. Collection method: clinical testing. Allele origin: germline.

Labcorp Genetics (formerly Invitae), Labcorp
Classification: Likely benign for Hereditary nonpolyposis colorectal neoplasms. Last evaluated: 2023-07-08. Review status: criteria provided, single submitter. Criteria: Invitae Variant Classification Sherloc (09022015). Collection method: clinical testing. Allele origin: germline.

All of Us Research Program, National Institutes of Health
Classification: Likely benign for Lynch syndrome. Last evaluated: 2023-04-03. Review status: criteria provided, single submitter. Criteria: ACMG Guidelines, 2015. Collection method: clinical testing. Allele origin: germline. Inheritance: Autosomal dominant inheritance. Observed: 1 variant allele, 1 heterozygote.
Comment: This study involves interpretation of variants in research participants for the purpose of population health screening. Participant phenotype was not available at the time of variant classification. Additional details can be found in publication PMID: 35346344, PMCID: PMC8962531

Ambry Genetics
Classification: Likely benign for Hereditary cancer-predisposing syndrome. Last evaluated: 2022-01-11. Review status: criteria provided, single submitter. Criteria: Ambry Variant Classification Scheme 2023. Collection method: clinical testing. Allele origin: germline.

NM_000179.3(MSH6):c.1002G>A (p.Lys334=)

Gene: MSH6 (mutS homolog 6; plus strand). Cytogenetic location: 2p16.3.
Variant type: single nucleotide variant.
Coding change: c.1002G>A on transcript NM_000179.3 (MANE Select); coding-DNA position 1002, G replaced by A.
Protein change: p.Lys334=; no amino-acid change (lysine 334 retained).
Molecular consequence: synonymous variant. On other transcripts: non-coding transcript variant (4), intron variant (1).
Genome position (GRCh38, 1-based): chr2:47,798,985, G>A. VCF-style: chr2-47798985-G-A. GRCh37 (hg19) VCF-style: chr2-48026124-G-A.
Other names: c.612G>A, p.Lys204= (NM_001281492.2); c.96G>A, p.Lys32= (NM_001281493.2, NM_001281494.2, NM_001406811.1 and 6 more transcripts); c.1098G>A, p.Lys366= (NM_001406795.1, NM_001406802.1); c.1002G>A, p.Lys334= (NM_001406796.1, NM_001406798.1, NM_001406800.1 and 4 more transcripts); c.705G>A, p.Lys235= (NM_001406797.1, NM_001406801.1, NM_001406805.1 and 10 more transcripts); c.477G>A, p.Lys159= (NM_001406799.1, NM_001406806.1, NM_001406807.1); c.924G>A, p.Lys308= (NM_001406804.1); c.1008G>A, p.Lys336= (NM_001406813.1); and 2 more.
Identifiers: ClinVar variation 1772812 (VCV001772812.13), dbSNP rs1669283147, ClinGen allele CA426120742.
Genomic context (GRCh38, chr2:47,798,985, plus strand): 5'-CTCTAGGAAGGAAACGCCCTCAGCCACCAAACAAGCAACTAGCATTTCATCAGAAACCAA[G>A]AATACTTTGAGAGCTTTCTCTGCCCCTCAAAATTCTGAATCCCAAGCCCACGTTAGTGGA-3'
Protein context (NP_000170.1, residues 324-344): KQATSISSET[Lys334=]NTLRAFSAPQ